The following is an entry in ClinVar:

NM_014855.3(AP5Z1):c.1034G>A (p.Arg345Gln)

Gene: AP5Z1 (adaptor related protein complex 5 subunit zeta 1; plus strand). Cytogenetic location: 7p22.1.
Variant type: single nucleotide variant.
Coding change: c.1034G>A on transcript NM_014855.3 (MANE Select); coding-DNA position 1034, G replaced by A.
Protein change: p.Arg345Gln; replaces arginine 345 with glutamine.
Molecular consequence: missense variant. On other transcripts: non-coding transcript variant (1).
Genome position (GRCh38, 1-based): chr7:4,785,586, G>A. VCF-style: chr7-4785586-G-A. GRCh37 (hg19) VCF-style: chr7-4825217-G-A.
Other names: c.566G>A, p.Arg189Gln (NM_001364858.1); short protein forms R345Q, R189Q.
Identifiers: ClinVar variation 2052658 (VCV002052658.4), dbSNP rs368559995, ClinGen allele CA4137574.

ClinVar aggregate classification (germline): Uncertain significance (1 of 4 stars; one submission).

Conditions:
Hereditary spastic paraplegia 48. Also called: SPASTIC PARAPLEGIA 48, AUTOSOMAL RECESSIVE; Spastic paraplegia 48. Identifiers: Orphanet 306511, MedGen C3150901, MONDO:0013342, OMIM 613647.

Allele frequency attached by ClinVar (database versions not stated): ExAC 0.00003; TOPMed 0.00003; ESP Exome Variant Server 0.00008; 1000 Genomes Project 0.00020; 1000 Genomes Project 30x 0.00031.

Submission:

Labcorp Genetics (formerly Invitae), Labcorp
Classification: Uncertain significance for Hereditary spastic paraplegia 48. Last evaluated: 2022-08-07. Review status: criteria provided, single submitter. Criteria: Invitae Variant Classification Sherloc (09022015). Collection method: clinical testing. Allele origin: germline.
Comment: This variant has not been reported in the literature in individuals affected with AP5Z1-related conditions. The frequency data for this variant in the population databases is considered unreliable, as metrics indicate poor data quality at this position in the gnomAD database. This sequence change replaces arginine, which is basic and polar, with glutamine, which is neutral and polar, at codon 345 of the AP5Z1 protein (p.Arg345Gln). Algorithms developed to predict the effect of missense changes on protein structure and function (SIFT, PolyPhen-2, Align-GVGD) all suggest that this variant is likely to be disruptive. In summary, the available evidence is currently insufficient to determine the role of this variant in disease. Therefore, it has been classified as a Variant of Uncertain Significance.